The following is an entry in ClinVar:

ClinVar aggregate classification (germline): Uncertain significance (1 of 4 stars; one submission).

Conditions:
Cardiovascular phenotype. Identifiers: MedGen CN230736.

Submission:

Ambry Genetics
Classification: Uncertain significance for Cardiovascular phenotype. Last evaluated: 2023-01-17. Review status: criteria provided, single submitter. Criteria: Ambry Variant Classification Scheme 2023. Collection method: clinical testing. Allele origin: germline.
Comment: The p.E273Q variant (also known as c.817G>C), located in coding exon 5 of the ALMS1 gene, results from a G to C substitution at nucleotide position 817. The glutamic acid at codon 273 is replaced by glutamine, an amino acid with highly similar properties. This amino acid position is well conserved in available vertebrate species. In addition, this alteration is predicted to be tolerated by in silico analysis. Since supporting evidence is limited at this time, the clinical significance of this alteration remains unclear.

NM_001378454.1(ALMS1):c.814G>C (p.Glu272Gln)

Gene: ALMS1 (ALMS1 centrosome and basal body associated protein; plus strand). Cytogenetic location: 2p13.1.
Variant type: single nucleotide variant.
Coding change: c.814G>C on transcript NM_001378454.1 (MANE Select); coding-DNA position 814, G replaced by C.
Protein change: p.Glu272Gln; replaces glutamic acid 272 with glutamine.
Molecular consequence: missense variant.
Genome position (GRCh38, 1-based): chr2:73,424,479, G>C. VCF-style: chr2-73424479-G-C. GRCh37 (hg19) VCF-style: chr2-73651607-G-C.
Other names: c.817G>C, p.Glu273Gln (NM_015120.4); short protein forms E272Q, E273Q.
Identifiers: ClinVar variation 2449592 (VCV002449592.2), dbSNP rs2466045905, ClinGen allele CA347260514.